The following is an entry in ClinVar:

ClinVar aggregate classification (germline): Uncertain significance. Review status: criteria provided, multiple submitters, no conflicts (2 of 4 stars). 2 submissions from 2 submitters: Uncertain significance (2). Last evaluated 2025-11-17.

Conditions:
Inborn genetic diseases. Identifiers: MedGen C0950123, MeSH D030342.

Allele frequency attached by ClinVar (database versions not stated): ExAC 0.00002; gnomAD exomes 0.00001; TOPMed below 0.00001; gnomAD 0.00001.
gnomAD v4.1: 19 of 1,613,834 alleles (0.0012%); highest among the groups gnomAD compares: African/African-American, 0.0053%; no homozygotes.

Submissions (2):

Ambry Genetics
Classification: Uncertain significance for Inborn genetic diseases. Last evaluated: 2025-11-17. Review status: criteria provided, single submitter. Criteria: Ambry Variant Classification Scheme 2023. Collection method: clinical testing. Allele origin: germline.
Comment: The c.179G>A (p.R60H) alteration is located in exon 3 (coding exon 3) of the MOCS2 gene. This alteration results from a G to A substitution at nucleotide position 179, causing the arginine (R) at amino acid position 60 to be replaced by a histidine (H). Based on data from gnomAD, the A allele has an overall frequency of 0.001% (3/282724) total alleles studied. The highest observed frequency was 0.005% (1/19950) of East Asian alleles. Based on insufficient or conflicting evidence, the clinical significance of this alteration remains unclear.

Labcorp Genetics (formerly Invitae), Labcorp
Classification: Uncertain significance. Last evaluated: 2021-07-13. Review status: criteria provided, single submitter. Criteria: Invitae Variant Classification Sherloc (09022015). Collection method: clinical testing. Allele origin: germline.
Comment: This sequence change replaces arginine with histidine at codon 60 of the MOCS2A protein (p.Arg60His). The arginine residue is highly conserved and there is a small physicochemical difference between arginine and histidine. This variant is present in population databases (rs769172548, ExAC 0.01%). This variant has not been reported in the literature in individuals affected with MOCS2A-related conditions. Algorithms developed to predict the effect of missense changes on protein structure and function are either unavailable or do not agree on the potential impact of this missense change (SIFT: "Deleterious"; PolyPhen-2: "Benign"; Align-GVGD: "Class C25"). In summary, the available evidence is currently insufficient to determine the role of this variant in disease. Therefore, it has been classified as a Variant of Uncertain Significance.

NM_176806.4(MOCS2):c.179G>A (p.Arg60His)

Gene: MOCS2 (molybdenum cofactor synthesis 2; minus strand). Cytogenetic location: 5q11.2.
Variant type: single nucleotide variant.
Coding change: c.179G>A on transcript NM_176806.4 (MANE Plus Clinical); coding-DNA position 179, G replaced by A.
Protein change: p.Arg60His; replaces arginine 60 with histidine.
Molecular consequence: missense variant. On other transcripts: 5 prime UTR variant (1).
Genome position (GRCh38, 1-based): chr5:53,107,183, C>T on the plus strand (G>A on the coding strand, the complement: MOCS2 is on the minus strand). VCF-style: chr5-53107183-C-T. GRCh37 (hg19) VCF-style: chr5-52403013-C-T.
Other names: c.179G>A (NM_176806.2); c.-9G>A (NM_004531.5); short protein forms R60H.
Identifiers: ClinVar variation 1006620 (VCV001006620.7), dbSNP rs769172548, ClinGen allele CA3263775.